The following is an entry in ClinVar:

NM_012301.4(MAGI2):c.2131C>T (p.Pro711Ser)

Gene: MAGI2 (membrane associated guanylate kinase, WW and PDZ domain containing 2; minus strand). Cytogenetic location: 7q21.11.
Variant type: single nucleotide variant.
Coding change: c.2131C>T on transcript NM_012301.4 (MANE Select); coding-DNA position 2131, C replaced by T.
Protein change: p.Pro711Ser; replaces proline 711 with serine.
Molecular consequence: missense variant.
Genome position (GRCh38, 1-based): chr7:78,195,012, G>A on the plus strand (C>T on the coding strand, the complement: MAGI2 is on the minus strand). VCF-style: chr7-78195012-G-A. GRCh37 (hg19) VCF-style: chr7-77824329-G-A.
Other names: c.2131C>T, p.Pro711Ser (NM_001301128.2); short protein forms P711S.
Identifiers: ClinVar variation 3573823 (VCV003573823.2).

ClinVar aggregate classification (germline): Uncertain significance (1 of 4 stars; one submission).

gnomAD v4.1: 6 of 1,613,798 alleles (0.00037%); highest among the groups gnomAD compares: South Asian, 0.0044%; no homozygotes.

Submission:

GeneDx
Classification: Uncertain significance. Last evaluated: 2025-05-29. Review status: criteria provided, single submitter. Criteria: GeneDx Variant Classification Process June 2021. Collection method: clinical testing. Allele origin: germline.
Comment: Not observed at significant frequency in large population cohorts (gnomAD); In silico analysis suggests that this missense variant does not alter protein structure/function; Has not been previously published as pathogenic or benign to our knowledge